The following is an entry in ClinVar:

NM_000426.4(LAMA2):c.1688C>T (p.Ser563Leu)

Gene: LAMA2 (laminin subunit alpha 2; plus strand). Cytogenetic location: 6q22.33.
Variant type: single nucleotide variant.
Coding change: c.1688C>T on transcript NM_000426.4 (MANE Select); coding-DNA position 1688, C replaced by T.
Protein change: p.Ser563Leu; replaces serine 563 with leucine.
Molecular consequence: missense variant.
Genome position (GRCh38, 1-based): chr6:129,192,759, C>T. VCF-style: chr6-129192759-C-T. GRCh37 (hg19) VCF-style: chr6-129513904-C-T.
Other names: c.1688C>T, p.Ser563Leu (NM_001079823.2); short protein forms S563L.
Identifiers: ClinVar variation 2165393 (VCV002165393.1), dbSNP rs2482776517, ClinGen allele CA365608253.

ClinVar aggregate classification (germline): Uncertain significance (1 of 4 stars; one submission).

Conditions:
LAMA2-related muscular dystrophy (LAMA2-RD). Also called: Laminin alpha 2-related dystrophy. Identifiers: MedGen C5679788, MONDO:0100228.

Allele frequency attached by ClinVar (database versions not stated): gnomAD exomes below 0.00001.
gnomAD v4.1: 3 of 1,614,184 alleles (0.00019%); highest among the groups gnomAD compares: Non-Finnish European, 0.00025%; no homozygotes.

Submission:

Labcorp Genetics (formerly Invitae), Labcorp
Classification: Uncertain significance for LAMA2-related muscular dystrophy. Last evaluated: 2022-01-04. Review status: criteria provided, single submitter. Criteria: Invitae Variant Classification Sherloc (09022015). Collection method: clinical testing. Allele origin: germline.
Comment: This sequence change replaces serine, which is neutral and polar, with leucine, which is neutral and non-polar, at codon 563 of the LAMA2 protein (p.Ser563Leu). This variant is not present in population databases (gnomAD no frequency). This variant has not been reported in the literature in individuals affected with LAMA2-related conditions. Advanced modeling of protein sequence and biophysical properties (such as structural, functional, and spatial information, amino acid conservation, physicochemical variation, residue mobility, and thermodynamic stability) performed at Invitae indicates that this missense variant is not expected to disrupt LAMA2 protein function. In summary, the available evidence is currently insufficient to determine the role of this variant in disease. Therefore, it has been classified as a Variant of Uncertain Significance.